The following is an entry in ClinVar:

NM_001358351.3(SEMA6D):c.380C>G (p.Pro127Arg)

Gene: SEMA6D (semaphorin 6D; plus strand). Cytogenetic location: 15q21.1.
Variant type: single nucleotide variant.
Coding change: c.380C>G on transcript NM_001358351.3 (MANE Select); coding-DNA position 380, C replaced by G.
Protein change: p.Pro127Arg; replaces proline 127 with arginine.
Molecular consequence: missense variant.
Genome position (GRCh38, 1-based): chr15:47,761,364, C>G. VCF-style: chr15-47761364-C-G. GRCh37 (hg19) VCF-style: chr15-48053561-C-G.
Other names: c.380C>G, p.Pro127Arg (NM_001198999.2, NM_001358352.2, NM_020858.2 and 5 more transcripts); short protein forms P127R.
Identifiers: ClinVar variation 3031735 (VCV003031735.2), dbSNP rs2511236441, ClinGen allele CA392303375.

ClinVar aggregate classification (germline): Uncertain significance (0 of 4 stars; one submission).

Conditions:
SEMA6D-related disorder. Also called: SEMA6D-related condition.

Submission:

PreventionGenetics, part of Exact Sciences
Classification: Uncertain significance for SEMA6D-related condition. Last evaluated: 2023-11-13. Review status: no assertion criteria provided. Collection method: clinical testing. Allele origin: germline.
Comment: The SEMA6D c.380C>G variant is predicted to result in the amino acid substitution p.Pro127Arg. To our knowledge, this variant has not been reported in the literature or in a large population database, indicating this variant is rare. At this time, the clinical significance of this variant is uncertain due to the absence of conclusive functional and genetic evidence.